The following is an entry in ClinVar:

NM_001134673.4(NFIA):c.1255-6C>T

Gene: NFIA (nuclear factor I A; plus strand). Cytogenetic location: 1p31.3.
Variant type: single nucleotide variant.
Coding change: c.1255-6C>T on transcript NM_001134673.4 (MANE Select); 6 bases into the intron before coding-DNA position 1255, C replaced by T.
Molecular consequence: intron variant.
Genome position (GRCh38, 1-based): chr1:61,406,556, C>T. VCF-style: chr1-61406556-C-T. GRCh37 (hg19) VCF-style: chr1-61872228-C-T.
Other names: c.1231-6C>T (NM_001145511.2); c.1390-6C>T (NM_001145512.2); c.1255-6C>T (NM_005595.5).
Identifiers: ClinVar variation 770850 (VCV000770850.16), dbSNP rs2474380, ClinGen allele CA881248.
Genomic context (GRCh38, chr1:61,406,556, plus strand): 5'-CTAATGGTTGCTGTCTCTTTCTTCTTTTTCTTGTACGTGTGTTTTCTGCCCCCCCCCCCC[C>T]CACAGCCCAATGGGAGCAGCCAAGGCAAGGTGCACAACCCATTCCTTCCCACCCCAATGT-3'

ClinVar aggregate classification (germline): Benign. Review status: criteria provided, multiple submitters, no conflicts (2 of 4 stars). 4 submissions from 4 submitters: Benign (3). 1 of the submissions does not count toward it. Last evaluated 2026-01-15.

Conditions:
NFIA-Related Disorder. Also called: NFIA-related condition; NFIA-related disorders. Identifiers: MedGen CN381099.

Allele frequency attached by ClinVar (database versions not stated): 1000 Genomes Project 0.47963.

Submissions (4):

Labcorp Genetics (formerly Invitae), Labcorp
Classification: Benign. Last evaluated: 2026-01-15. Review status: criteria provided, single submitter. Criteria: Invitae Variant Classification Sherloc (09022015). Collection method: clinical testing. Allele origin: germline.

GeneDx
Classification: Benign. Last evaluated: 2018-07-06. Review status: criteria provided, single submitter. Criteria: GeneDx Variant Classification Process June 2021. Collection method: clinical testing. Allele origin: germline. Affected: yes.

Breakthrough Genomics
Classification: Benign. Review status: criteria provided, single submitter. Criteria: ACMG Guidelines, 2015. Collection method: not provided. Allele origin: germline. Inheritance: Autosomal dominant inheritance. Affected: yes.

PreventionGenetics, part of Exact Sciences
Classification: Benign for NFIA-related condition. Last evaluated: 2020-06-25. Review status: no assertion criteria provided. Collection method: clinical testing. Allele origin: germline. Not counted in ClinVar's aggregate classification.
Comment: This variant is classified as benign based on ACMG/AMP sequence variant interpretation guidelines (Richards et al. 2015 PMID: 25741868, with internal and published modifications).